The following is an entry in ClinVar:

NM_000455.5(STK11):c.920+7G>T

Gene: STK11 (serine/threonine kinase 11; plus strand). Cytogenetic location: 19p13.3.
Variant type: single nucleotide variant.
Coding change: c.920+7G>T on transcript NM_000455.5 (MANE Select); 7 bases into the intron after coding-DNA position 920, G replaced by T.
Molecular consequence: intron variant.
Genome position (GRCh38, 1-based): chr19:1,222,013, G>T. VCF-style: chr19-1222013-G-T. GRCh37 (hg19) VCF-style: chr19-1222012-G-T.
Identifiers: ClinVar variation 135928 (VCV000135928.16), dbSNP rs2075607, ClinGen allele CA023355.

ClinVar aggregate classification (germline): Likely benign. Review status: criteria provided, multiple submitters, no conflicts (2 of 4 stars). 5 submissions from 5 submitters: Likely benign (5). Last evaluated 2025-12-09.

Conditions:
Hereditary cancer-predisposing syndrome. Also called: Tumor predisposition; Hereditary neoplastic syndrome; Neoplastic Syndromes, Hereditary; Hereditary Cancer Syndrome. Identifiers: Orphanet 140162, MedGen C0027672, MeSH D009386, MONDO:0015356.
Peutz-Jeghers syndrome (PJS). Also called: Peutz-Jeghers polyposis; Periorificial lentiginosis syndrome; POLYPOSIS, HAMARTOMATOUS INTESTINAL; POLYPS-AND-SPOTS SYNDROME. Identifiers: Orphanet 2869, MedGen C0031269, MeSH D010580, MONDO:0008280, OMIM 175200.

gnomAD v4.1: 31 of 1,565,288 alleles (0.002%); highest among the groups gnomAD compares: Non-Finnish European, 0.0025%; no homozygotes.

Submissions (5):

Labcorp Genetics (formerly Invitae), Labcorp
Classification: Likely benign for Peutz-Jeghers syndrome. Last evaluated: 2025-12-09. Review status: criteria provided, single submitter. Criteria: Invitae Variant Classification Sherloc (09022015). Collection method: clinical testing. Allele origin: germline.

Myriad Genetics, Inc.
Classification: Likely benign for Peutz-Jeghers syndrome. Last evaluated: 2025-03-28. Review status: criteria provided, single submitter. Criteria: Myriad Autosomal Dominant, Autosomal Recessive and X-Linked Classification Criteria (2023). Collection method: clinical testing. Allele origin: unknown.
Comment: This variant is considered likely benign. This variant is intronic and is not expected to impact mRNA splicing.

Women's Health and Genetics/Laboratory Corporation of America, LabCorp
Classification: Likely benign. Last evaluated: 2021-07-23. Review status: criteria provided, single submitter. Criteria: LabCorp Variant Classification Summary - May 2015. Collection method: clinical testing. Allele origin: germline.
Comment: Variant summary: STK11 c.920+7G>T alters a non-conserved nucleotide located close to a canonical splice site and therefore could affect mRNA splicing, leading to a significantly altered protein sequence. 4/4 computational tools predict no significant impact on normal splicing. However, these predictions have yet to be confirmed by functional studies. The variant allele was found at a frequency of 5.9e-06 in 170686 control chromosomes. The available data on variant occurrences in the general population are insufficient to allow any conclusion about variant significance. However, a different nucleotide change at the same location, namely c.920+7G>C (19-1222012-G -C) is present at a frequency of 18% in the gnomAD database, thereby suggesting that this position is likely to be tolerant. To our knowledge, no occurrence of c.920+7G>T in individuals affected with Peutz-Jeghers Syndrome and no experimental evidence demonstrating its impact on protein function have been reported. Three clinical diagnostic laboratories have submitted clinical-significance assessments for this variant to ClinVar after 2014 without evidence for independent evaluation. All laboratories classified the variant as likely benign. Based on the evidence outlined above, the variant was re-classified as likely benign.

Color Diagnostics, LLC DBA Color Health
Classification: Likely benign for Hereditary cancer-predisposing syndrome. Last evaluated: 2018-08-07. Review status: criteria provided, single submitter. Criteria: ACMG Guidelines, 2015. Collection method: clinical testing. Allele origin: germline.

GeneDx
Classification: Likely benign. Last evaluated: 2017-04-19. Review status: criteria provided, single submitter. Criteria: GeneDx Variant Classification (06012015). Collection method: clinical testing. Allele origin: germline. Affected: yes.
Comment: This variant is considered likely benign or benign based on one or more of the following criteria: it is a conservative change, it occurs at a poorly conserved position in the protein, it is predicted to be benign by multiple in silico algorithms, and/or has population frequency not consistent with disease.